The following is an entry in ClinVar:

NM_080680.3(COL11A2):c.4961C>T (p.Pro1654Leu)

Gene: COL11A2 (collagen type XI alpha 2 chain; minus strand). Cytogenetic location: 6p21.32.
Variant type: single nucleotide variant.
Coding change: c.4961C>T on transcript NM_080680.3 (MANE Select); coding-DNA position 4961, C replaced by T.
Protein change: p.Pro1654Leu; replaces proline 1654 with leucine.
Molecular consequence: missense variant.
Genome position (GRCh38, 1-based): chr6:33,164,376, G>A on the plus strand (C>T on the coding strand, the complement: COL11A2 is on the minus strand). VCF-style: chr6-33164376-G-A. GRCh37 (hg19) VCF-style: chr6-33132153-G-A.
Other names: c.4781C>T, p.Pro1594Leu (NM_001424108.1); c.4115C>T, p.Pro1372Leu (NM_001424109.1); c.3935C>T, p.Pro1312Leu (NM_001424110.1, NM_001424111.1); c.2915C>T, p.Pro972Leu (NM_001424112.1); c.4640C>T, p.Pro1547Leu (NM_080679.3); c.4703C>T, p.Pro1568Leu (NM_080681.3); short protein forms P1547L, P972L, P1372L, P1568L, P1594L, P1312L, P1654L.
Identifiers: ClinVar variation 3630523 (VCV003630523.2).

ClinVar aggregate classification (germline): Uncertain significance (1 of 4 stars; one submission).

Submission:

Labcorp Genetics (formerly Invitae), Labcorp
Classification: Uncertain significance. Last evaluated: 2024-04-18. Review status: criteria provided, single submitter. Criteria: Invitae Variant Classification Sherloc (09022015). Collection method: clinical testing. Allele origin: germline.
Comment: This sequence change replaces proline, which is neutral and non-polar, with leucine, which is neutral and non-polar, at codon 1654 of the COL11A2 protein (p.Pro1654Leu). This variant is not present in population databases (gnomAD no frequency). This variant has not been reported in the literature in individuals affected with COL11A2-related conditions. Advanced modeling of protein sequence and biophysical properties (such as structural, functional, and spatial information, amino acid conservation, physicochemical variation, residue mobility, and thermodynamic stability) performed at Invitae indicates that this missense variant is not expected to disrupt COL11A2 protein function with a negative predictive value of 95%. In summary, the available evidence is currently insufficient to determine the role of this variant in disease. Therefore, it has been classified as a Variant of Uncertain Significance.